The following is an entry in ClinVar:

NM_000152.5(GAA):c.1854G>C (p.Trp618Cys)

Gene: GAA (alpha glucosidase; plus strand). Cytogenetic location: 17q25.3.
Variant type: single nucleotide variant.
Coding change: c.1854G>C on transcript NM_000152.5 (MANE Select); coding-DNA position 1854, G replaced by C.
Protein change: p.Trp618Cys; replaces tryptophan 618 with cysteine.
Molecular consequence: missense variant.
Genome position (GRCh38, 1-based): chr17:80,112,677, G>C. VCF-style: chr17-80112677-G-C. GRCh37 (hg19) VCF-style: chr17-78086476-G-C.
Other names: c.1854G>C, p.Trp618Cys (NM_001079803.3, NM_001079804.3, NM_001406741.1 and 1 more transcripts); short protein forms W618C.
Identifiers: ClinVar variation 4841584 (VCV004841584.1).
Genomic context (GRCh38, chr17:80,112,677, plus strand): 5'-CTCCCGCTCGACCTTTGCTGGCCACGGCCGATACGCCGGCCACTGGACGGGGGACGTGTG[G>C]AGCTCCTGGGAGCAGCTCGCCTCCTCCGTGCCAGGTGAGCTCCTACCAGGAGGGGCTGCT-3'
Protein context (NP_000143.2, residues 608-628): RYAGHWTGDV[Trp618Cys]SSWEQLASSV

ClinVar aggregate classification (germline): Uncertain significance (1 of 4 stars; one submission).

Conditions:
Cardiovascular phenotype. Identifiers: MedGen CN230736.

gnomAD v4.1: 1 of 1,611,340 alleles (0.000062%); highest among the groups gnomAD compares: Non-Finnish European, 0.000085%; no homozygotes.

Submission:

Ambry Genetics
Classification: Uncertain significance for Cardiovascular phenotype. Last evaluated: 2025-12-21. Review status: criteria provided, single submitter. Criteria: Ambry Variant Classification Scheme 2023. Collection method: clinical testing. Allele origin: germline.
Comment: The p.W618C variant (also known as c.1854G>C), located in coding exon 12 of the GAA gene, results from a G to C substitution at nucleotide position 1854. The tryptophan at codon 618 is replaced by cysteine, an amino acid with highly dissimilar properties. This amino acid position is conserved. In addition, the in silico prediction for this alteration is inconclusive. Based on the available evidence, the clinical significance of this variant remains unclear.